The following is an entry in ClinVar:

NM_145239.3(PRRT2):c.466C>T (p.Leu156Phe)

Genes: MVP-DT (MVP divergent transcript; minus strand), PRRT2 (proline rich transmembrane protein 2; plus strand). Cytogenetic location: 16p11.2.
Variant type: single nucleotide variant.
Coding change: c.466C>T on transcript NM_145239.3 (MANE Select); coding-DNA position 466, C replaced by T.
Protein change: p.Leu156Phe; replaces leucine 156 with phenylalanine.
Molecular consequence: missense variant.
Genome position (GRCh38, 1-based): chr16:29,813,520, C>T. VCF-style: chr16-29813520-C-T. GRCh37 (hg19) VCF-style: chr16-29824841-C-T.
Other names: c.466C>T (NM_145239.2); c.466C>T, p.Leu156Phe (NM_001256442.2, NM_001256443.2); short protein forms L156F.
Identifiers: ClinVar variation 2748342 (VCV002748342.4), dbSNP rs1323047446, ClinGen allele CA395478758.
Genomic context (GRCh38, chr16:29,813,520, plus strand): 5'-CCAGAGCCTGCTCCCCAACCAGACCCCCGGCCAGATTCCCAGCCTACCCCCAAGCCAGCC[C>T]TTCAACCAGAGCTCCCTACCCAGGAGGACCCCACCCCTGAGATTCTGTCTGAGAGTGTAG-3'
Protein context (NP_660282.2, residues 146-166): PDSQPTPKPA[Leu156Phe]QPELPTQEDP

ClinVar aggregate classification (germline): Uncertain significance. Review status: criteria provided, multiple submitters, no conflicts (2 of 4 stars). 2 submissions from 2 submitters: Uncertain significance (2). Last evaluated 2025-06-24.

Conditions:
Episodic kinesigenic dyskinesia (EKD). Also called: Paroxysmal kinesigenic dyskinesia. Identifiers: Orphanet 98809, MedGen C1868682, MONDO:0044202.
Inborn genetic diseases. Identifiers: MedGen C0950123, MeSH D030342.

Allele frequency attached by ClinVar (database versions not stated): gnomAD exomes below 0.00001.

Submissions (2):

Ambry Genetics
Classification: Uncertain significance for Inborn genetic diseases. Last evaluated: 2025-06-24. Review status: criteria provided, single submitter. Criteria: Ambry Variant Classification Scheme 2023. Collection method: clinical testing. Allele origin: germline.

Labcorp Genetics (formerly Invitae), Labcorp
Classification: Uncertain significance for Episodic kinesigenic dyskinesia. Last evaluated: 2023-01-13. Review status: criteria provided, single submitter. Criteria: Invitae Variant Classification Sherloc (09022015). Collection method: clinical testing. Allele origin: germline.
Comment: This sequence change replaces leucine, which is neutral and non-polar, with phenylalanine, which is neutral and non-polar, at codon 156 of the PRRT2 protein (p.Leu156Phe). This variant is present in population databases (no rsID available, gnomAD 0.0009%). This variant has not been reported in the literature in individuals affected with PRRT2-related conditions. Advanced modeling of protein sequence and biophysical properties (such as structural, functional, and spatial information, amino acid conservation, physicochemical variation, residue mobility, and thermodynamic stability) performed at Invitae indicates that this missense variant is not expected to disrupt PRRT2 protein function. In summary, the available evidence is currently insufficient to determine the role of this variant in disease. Therefore, it has been classified as a Variant of Uncertain Significance.